The following is an entry in ClinVar:

ClinVar aggregate classification (germline): Uncertain significance. Review status: criteria provided, multiple submitters, no conflicts (2 of 4 stars). 3 submissions from 3 submitters: Uncertain significance (3). Last evaluated 2026-02-24.

Conditions:
Inborn genetic diseases. Identifiers: MedGen C0950123, MeSH D030342.

Allele frequency attached by ClinVar (database versions not stated): gnomAD exomes 0.00003; ExAC 0.00007; 1000 Genomes Project 30x 0.00016; 1000 Genomes Project 0.00020; gnomAD 0.00021; TOPMed 0.00037; ESP Exome Variant Server 0.00046.
gnomAD v4.1: 73 of 1,614,078 alleles (0.0045%); highest among the groups gnomAD compares: African/African-American, 0.077%; no homozygotes.

Submissions (3):

Women's Health and Genetics/Laboratory Corporation of America, LabCorp
Classification: Uncertain significance. Last evaluated: 2026-02-24. Review status: criteria provided, single submitter. Criteria: LabCorp Variant Classification Summary - May 2015. Collection method: clinical testing. Allele origin: germline.
Comment: Variant summary: LHX4 c.1061C>T (p.Ala354Val) results in a non-conservative amino acid change in the encoded protein sequence. Algorithms developed to predict the effect of missense changes on protein structure and function are either unavailable or do not agree on the potential impact of this missense change. The variant allele was found at a frequency of 6e-05 in 251302 control chromosomes. This frequency is not significantly higher than estimated for disease-causing variants in LHX4, allowing no conclusion about variant significance. To our knowledge, no occurrence of c.1061C>T in individuals affected with LHX4-related conditions and no experimental evidence demonstrating its impact on protein function have been reported. ClinVar contains an entry for this variant (Variation ID: 2552786). Based on the evidence outlined above, the variant was classified as uncertain significance.

Ambry Genetics
Classification: Uncertain significance for Inborn genetic diseases. Last evaluated: 2025-04-03. Review status: criteria provided, single submitter. Criteria: Ambry Variant Classification Scheme 2023. Collection method: clinical testing. Allele origin: germline.

GeneDx
Classification: Uncertain significance. Last evaluated: 2024-11-07. Review status: criteria provided, single submitter. Criteria: GeneDx Variant Classification Process June 2021. Collection method: clinical testing. Allele origin: germline. Affected: yes.
Comment: In silico analysis indicates that this missense variant does not alter protein structure/function; Has not been previously published as pathogenic or benign to our knowledge

NM_033343.4(LHX4):c.1061C>T (p.Ala354Val)

Genes: ACBD6 (acyl-CoA binding domain containing 6; minus strand), LHX4 (LIM homeobox 4; plus strand), LHX4-AS1 (LHX4 antisense RNA 1; minus strand). Cytogenetic location: 1q25.2.
Variant type: single nucleotide variant.
Coding change: c.1061C>T on transcript NM_033343.4 (MANE Select); coding-DNA position 1061, C replaced by T.
Protein change: p.Ala354Val; replaces alanine 354 with valine.
Molecular consequence: missense variant.
Genome position (GRCh38, 1-based): chr1:180,274,467, C>T. VCF-style: chr1-180274467-C-T. GRCh37 (hg19) VCF-style: chr1-180243602-C-T.
Other names: short protein forms A354V.
Identifiers: ClinVar variation 2552786 (VCV002552786.5), dbSNP rs140154605, ClinGen allele CA1272079.